The following is an entry in ClinVar:

ClinVar aggregate classification (germline): Uncertain significance. Review status: criteria provided, multiple submitters, no conflicts (2 of 4 stars). 4 submissions from 4 submitters: Uncertain significance (3). 1 of the submissions does not count toward it. Last evaluated 2024-05-13.

Conditions:
Inborn genetic diseases. Identifiers: MedGen C0950123, MeSH D030342.
Meniere disease. Also called: Ménière's disease. Identifiers: MedGen C0025281, MONDO:0007972, OMIM 156000.

Allele frequency attached by ClinVar (database versions not stated): 1000 Genomes Project 30x 0.00031; gnomAD 0.00096 and 0.00098; TOPMed 0.00099; ESP Exome Variant Server 0.00107; gnomAD exomes 0.00124 and 0.00135; ExAC 0.00136.
gnomAD v4.1: 2,140 of 1,613,962 alleles (0.13%); highest among the groups gnomAD compares: Non-Finnish European, 0.14%; 3 homozygotes.

Submissions (4):

Ambry Genetics
Classification: Uncertain significance for Inborn genetic diseases. Last evaluated: 2024-05-13. Review status: criteria provided, single submitter. Criteria: Ambry Variant Classification Scheme 2023. Collection method: clinical testing. Allele origin: germline.

Women's Health and Genetics/Laboratory Corporation of America, LabCorp
Classification: Uncertain significance. Last evaluated: 2023-08-25. Review status: criteria provided, single submitter. Criteria: LabCorp Variant Classification Summary - May 2015. Collection method: clinical testing. Allele origin: germline.
Comment: Variant summary: ACAN c.5567G>A (p.Ser1856Asn) results in a conservative amino acid change in the encoded protein sequence. Four of five in-silico tools predict a benign effect of the variant on protein function. The variant allele was found at a frequency of 0.0012 in 249138 control chromosomes (gnomAD). c.5567G>A has been reported in the literature in the heterozygous state in an individual affected with lysinuric protein intolerance without cosegregation information and with other co-occurring variants (Posey_2014). This report does not provide unequivocal conclusions about association of the variant with ACAN-Related Disorders. To our knowledge, no experimental evidence demonstrating an impact on protein function has been reported. The following publication has been ascertained in the context of this evaluation (PMID: 25419514). Two submitters have cited clinical-significance assessments for this variant to ClinVar after 2014. Both submitters classified the variant as uncertain significance. Based on the evidence outlined above, the variant was classified as uncertain significance.

GeneDx
Classification: Uncertain significance. Last evaluated: 2019-05-09. Review status: criteria provided, single submitter. Criteria: GeneDx Variant Classification Process June 2021. Collection method: clinical testing. Allele origin: germline. Affected: yes.
Comment: In silico analysis, which includes protein predictors and evolutionary conservation, supports that this variant does not alter protein structure/function; Has not been previously published as pathogenic or benign to our knowledge

Center for Computational Biology & Bioinformatics, University of California, San Diego
Classification: Uncertain significance for Meniere disease. Last evaluated: 2024-06-03. Review status: no assertion criteria provided. Collection method: research. Allele origin: germline. Affected: yes. Not counted in ClinVar's aggregate classification.

Literature cited by the submitters: PubMed 25419514 (cited by Women's Health and Genetics/Laboratory Corporation of America, LabCorp).

NM_001369268.1(ACAN):c.5567G>A (p.Ser1856Asn)

Gene: ACAN (aggrecan; plus strand). Cytogenetic location: 15q26.1.
Variant type: single nucleotide variant.
Coding change: c.5567G>A on transcript NM_001369268.1 (MANE Select); coding-DNA position 5567, G replaced by A.
Protein change: p.Ser1856Asn; replaces serine 1856 with asparagine.
Molecular consequence: missense variant.
Genome position (GRCh38, 1-based): chr15:88,858,152, G>A. VCF-style: chr15-88858152-G-A. GRCh37 (hg19) VCF-style: chr15-89401383-G-A.
Other names: c.5567G>A, p.Ser1856Asn (NM_001135.4, NM_013227.4); short protein forms S1856N.
Identifiers: ClinVar variation 386686 (VCV000386686.9), dbSNP rs200762388, ClinGen allele CA7720236.